The following is an entry in ClinVar:

NM_133259.4(LRPPRC):c.1677+18T>A

Gene: LRPPRC (leucine rich pentatricopeptide repeat containing; minus strand). Cytogenetic location: 2p21.
Variant type: single nucleotide variant.
Coding change: c.1677+18T>A on transcript NM_133259.4 (MANE Select); 18 bases into the intron after coding-DNA position 1677, T replaced by A.
Molecular consequence: intron variant.
Genome position (GRCh38, 1-based): chr2:43,950,555, A>T on the plus strand (T>A on the coding strand, the complement: LRPPRC is on the minus strand). VCF-style: chr2-43950555-A-T. GRCh37 (hg19) VCF-style: chr2-44177694-A-T.
Identifiers: ClinVar variation 389178 (VCV000389178.4), dbSNP rs779816604, ClinGen allele CA1638836.
Genomic context (GRCh38, chr2:43,950,555, plus strand): 5'-AAAAATTATTACATAACCTATGGTATTGGCTTGTAACGTTAAAAGCACCTTATGATTTGC[A>T]ATATTAGAGGGACTTACCTCGCTCCAAAGATTTATATTCATAGACCTGCAGAGGGCAGCA-3'

ClinVar aggregate classification (germline): Likely benign. Review status: criteria provided, multiple submitters, no conflicts (2 of 4 stars). 2 submissions from 2 submitters: Likely benign (2). Last evaluated 2024-05-23.

Allele frequency attached by ClinVar (database versions not stated): gnomAD exomes below 0.00001 and 0.00001; ExAC 0.00001.
gnomAD v4.1: 4 of 1,607,020 alleles (0.00025%); highest among the groups gnomAD compares: South Asian, 0.0044%; no homozygotes.

Submissions (2):

Labcorp Genetics (formerly Invitae), Labcorp
Classification: Likely benign. Last evaluated: 2024-05-23. Review status: criteria provided, single submitter. Criteria: Invitae Variant Classification Sherloc (09022015). Collection method: clinical testing. Allele origin: germline.

GeneDx
Classification: Likely benign. Last evaluated: 2016-10-03. Review status: criteria provided, single submitter. Criteria: GeneDx Variant Classification (06012015). Collection method: clinical testing. Allele origin: germline. Affected: yes.
Comment: This variant is considered likely benign or benign based on one or more of the following criteria: it is a conservative change, it occurs at a poorly conserved position in the protein, it is predicted to be benign by multiple in silico algorithms, and/or has population frequency not consistent with disease.